The following is an entry in ClinVar:

NM_000051.4(ATM):c.8991_8992insG (p.Ile2998fs)

Genes: ATM (ATM serine/threonine kinase; plus strand), C11orf65 (chromosome 11 open reading frame 65; minus strand). Cytogenetic location: 11q22.3.
Variant type: Insertion.
Coding change: c.8991_8992insG on transcript NM_000051.4 (MANE Select); coding-DNA positions 8991 to 8992, G inserted.
Protein change: p.Ile2998fs; shifts the reading frame from isoleucine 2998.
Molecular consequence: frameshift variant. On other transcripts: intron variant (2).
Genome position: GRCh38 VCF-style: chr11-108365328-T-TG. GRCh37 (hg19) VCF-style: chr11-108236055-T-TG.
Other names: c.8991_8992insG, p.Ile2998fs (NM_001351834.2); c.640+20591_640+20592insC (NM_001330368.2); c.694+20591_694+20592insC (NM_001351110.2); short protein forms I2998fs.
Identifiers: ClinVar variation 1765362 (VCV001765362.2), dbSNP rs2547681876, ClinGen allele CA2580083139.
Genomic context (GRCh38, chr11:108,365,328, plus strand): 5'-ATTCCCAAGGCCTTTAAACTGTTCACCTCACTGAAACCTTTGTGTTTTTGTCCTTAGTGA[T>TG]ATTGACCAGAGTTTCAACAAAGTAGCTGAACGTGTCTTAATGAGACTACAAGAGAAACTG-3'

ClinVar aggregate classification (germline): Pathogenic (1 of 4 stars; one submission).

Conditions:
Hereditary cancer-predisposing syndrome. Also called: Hereditary neoplastic syndrome; Neoplastic Syndromes, Hereditary; Tumor predisposition; Hereditary Cancer Syndrome. Identifiers: Orphanet 140162, MedGen C0027672, MeSH D009386, MONDO:0015356.

Submission:

Ambry Genetics
Classification: Pathogenic for Hereditary cancer-predisposing syndrome. Last evaluated: 2022-05-27. Review status: criteria provided, single submitter. Criteria: Ambry Variant Classification Scheme 2023. Collection method: clinical testing. Allele origin: germline.
Comment: The c.8991_8992insG pathogenic mutation, located in coding exon 62 of the ATM gene, results from an insertion of one nucleotide at position 8991, causing a translational frameshift with a predicted alternate stop codon (p.I2998Dfs*2). This alteration occurs at the 3' terminus of theATM gene, is not expected to trigger nonsense-mediated mRNA decay, and only impacts the last 59 amino acids of the protein. However, premature stop codons are typically deleterious in nature and the impacted region is critical for protein function (Ambry internal data). Other truncating alterations downstream have been observed in individuals with a personal and/or family history that is consistent with ATM-related disease (Gilad S, Hum. Mol. Genet. 1996 Apr; 5(4):433-9; Broeks A, Hum. Mutat. 1998 ; 12(5):330-7; Chessa L et al. Ann. Hum. Genet. 2009 Sep;73:532-9; Byrd PJ et al. Br.J. Cancer. 2012 Jan;106:262-8; Carney EF et al. J. Immunol. 2012 Jul;189:261-8; Liu XL et al. Neurosci. Lett. 2016 Jan;611:112-5). This variant is considered to be rare based on population cohorts in the Genome Aggregation Database (gnomAD). Based on the supporting evidence, this alteration is interpreted as a disease-causing mutation.